The following is an entry in ClinVar:

NM_001458.5(FLNC):c.3815A>G (p.Glu1272Gly)

Gene: FLNC (filamin C; plus strand). Cytogenetic location: 7q32.1.
Variant type: single nucleotide variant.
Coding change: c.3815A>G on transcript NM_001458.5 (MANE Select); coding-DNA position 3815, A replaced by G.
Protein change: p.Glu1272Gly; replaces glutamic acid 1272 with glycine.
Molecular consequence: missense variant.
Genome position (GRCh38, 1-based): chr7:128,846,014, A>G. VCF-style: chr7-128846014-A-G. GRCh37 (hg19) VCF-style: chr7-128486068-A-G.
Other names: c.3815A>G, p.Glu1272Gly (NM_001127487.2); short protein forms E1272G.
Identifiers: ClinVar variation 2171870 (VCV002171870.4), dbSNP rs1808548091, ClinGen allele CA369198390.

ClinVar aggregate classification (germline): Uncertain significance (1 of 4 stars; one submission).

Conditions:
Myofibrillar myopathy 5. Also called: Filaminopathy (type); FILAMINOPATHY, AUTOSOMAL DOMINANT. Identifiers: Orphanet 171445, MedGen C1836050, MONDO:0012289, OMIM 609524.
Hypertrophic cardiomyopathy 26. Also called: Cardiomyopathy, familial hypertrophic, 26. Identifiers: Orphanet 75249, MedGen C4310749, MONDO:0014883, OMIM 617047.
Distal myopathy with posterior leg and anterior hand involvement. Also called: WILLIAMS DISTAL MYOPATHY. Identifiers: Orphanet 63273, MedGen C3279722, MONDO:0013550, OMIM 614065.

Submission:

Labcorp Genetics (formerly Invitae), Labcorp
Classification: Uncertain significance for Distal myopathy with posterior leg and anterior hand involvement; Myofibrillar myopathy 5; Hypertrophic cardiomyopathy 26. Last evaluated: 2025-07-28. Review status: criteria provided, single submitter. Criteria: Invitae Variant Classification Sherloc (09022015). Collection method: clinical testing. Allele origin: germline.
Comment: This sequence change replaces glutamic acid, which is acidic and polar, with glycine, which is neutral and non-polar, at codon 1272 of the FLNC protein (p.Glu1272Gly). This variant is not present in population databases (gnomAD no frequency). This variant has not been reported in the literature in individuals affected with FLNC-related conditions. ClinVar contains an entry for this variant (Variation ID: 2171870). Invitae Evidence Modeling of protein sequence and biophysical properties (such as structural, functional, and spatial information, amino acid conservation, physicochemical variation, residue mobility, and thermodynamic stability) has been performed for this missense variant. However, the output from this modeling did not meet the statistical confidence thresholds required to predict the impact of this variant on FLNC protein function. In summary, the available evidence is currently insufficient to determine the role of this variant in disease. Therefore, it has been classified as a Variant of Uncertain Significance.